The following is an entry in ClinVar:

ClinVar aggregate classification (germline): Uncertain significance (1 of 4 stars; one submission).

Conditions:
X-linked myopathy with postural muscle atrophy. Also called: FHL1-Related Emery-Dreifuss Muscular Dystrophy, X-Linked. Identifiers: Orphanet 178461, MedGen C2678055, MONDO:0010401, OMIM 300696.

Submission:

Labcorp Genetics (formerly Invitae), Labcorp
Classification: Uncertain significance for X-linked myopathy with postural muscle atrophy. Last evaluated: 2016-01-06. Review status: criteria provided, single submitter. Criteria: Invitae Variant Classification Sherloc (09022015). Collection method: clinical testing. Allele origin: germline.
Comment: A gross duplication of the genomic region encompassing the full coding sequence of the DMD gene has been identified. This gross duplication is not present in population databases. A similar DMD whole gene duplication has been reported in the literature in an individual affected with Duchenne muscular dystrophy and mild intelectual disability (PMID: 22796527). In summary, this is a whole gene duplication with uncertain impact on protein function. It has been classified as a Variant of Uncertain Significance.

NM_001449.4(FHL1):c.157-?_*1334+?dup

Gene: FHL1 (four and a half LIM domains 1; plus strand).
Variant type: Duplication.
Coding change: c.157-?_*1334+?dup on transcript NM_001449.4.
Identifiers: ClinVar variation 239006 (VCV000239006.1).